The following is an entry in ClinVar:

ClinVar aggregate classification (germline): Uncertain significance (1 of 4 stars; one submission).

Conditions:
Loeys-Dietz syndrome 2 (LDS2). Also called: Marfan syndrome, type 2 (formerly); TGFBR2-Related Loeys-Dietz Syndrome; Marfan Syndrome type 2; Marfan like connective tissue disorder; MFS 2; MARFAN SYNDROME, TYPE II. Identifiers: Orphanet 284973, Orphanet 558, MedGen C2674574, MONDO:0012427, OMIM 610168.

Allele frequency attached by ClinVar (database versions not stated): ExAC below 0.00001; gnomAD exomes below 0.00001; gnomAD 0.00001; TOPMed 0.00003.
gnomAD v4.1: 4 of 1,419,328 alleles (0.00028%); highest among the groups gnomAD compares: Non-Finnish European, 0.00037%; no homozygotes.

Submission:

Labcorp Genetics (formerly Invitae), Labcorp
Classification: Uncertain significance for Loeys-Dietz syndrome 2. Last evaluated: 2020-09-08. Review status: criteria provided, single submitter. Criteria: Invitae Variant Classification Sherloc (09022015). Collection method: clinical testing. Allele origin: germline.
Comment: This sequence change affects codon 93 of the TMPO mRNA. It is a 'silent' change, meaning that it does not change the encoded amino acid sequence of the TMPO protein. This variant also falls at the last nucleotide of exon 1 of the TMPO coding sequence, which is part of the consensus splice site for this exon. The frequency data for this variant in the population databases is considered unreliable, as metrics indicate poor data quality at this position in the ExAC database. This variant has not been reported in the literature in individuals with TMPO-related conditions. Nucleotide substitutions within the consensus splice site are a relatively common cause of aberrant splicing (PMID: 17576681, 9536098). Algorithms developed to predict the effect of sequence changes on RNA splicing suggest that this variant may disrupt the consensus splice site, but this prediction has not been confirmed by published transcriptional studies. In summary, the available evidence is currently insufficient to determine the role of this variant in disease. Therefore, it has been classified as a Variant of Uncertain Significance.

Literature cited by the submitters: PubMed 17576681; PubMed 9536098.

NM_001032283.3(TMPO):c.279G>A (p.Arg93=)

Genes: TMPO (thymopoietin; plus strand), TMPO-AS1 (TMPO antisense RNA 1; minus strand), LOC130008520 (ATAC-STARR-seq lymphoblastoid silent region 4752; plus strand). Cytogenetic location: 12q23.1.
Variant type: single nucleotide variant.
Coding change: c.279G>A on transcript NM_001032283.3 (MANE Select); coding-DNA position 279, G replaced by A.
Protein change: p.Arg93=; no amino-acid change (arginine 93 retained).
Molecular consequence: synonymous variant. On other transcripts: non-coding transcript variant (1).
Genome position (GRCh38, 1-based): chr12:98,516,146, G>A. VCF-style: chr12-98516146-G-A. GRCh37 (hg19) VCF-style: chr12-98909924-G-A.
Other names: c.279G>A, p.Arg93= (NM_001032284.3, NM_001307975.2, NM_003276.2).
Identifiers: ClinVar variation 1003800 (VCV001003800.9), dbSNP rs759987514, ClinGen allele CA6732146.